The following is an entry in ClinVar:

ClinVar aggregate classification (germline): Pathogenic (1 of 4 stars; one submission).

Conditions:
Cohen syndrome (COH1). Also called: Cutis verticis gyrata, retinitis pigmentosa, and sensorineural deafness; PEPPER SYNDROME. Identifiers: Orphanet 193, MedGen C0265223, MONDO:0008999, OMIM 216550.

Submission:

Equipe Genetique des Anomalies du Developpement, Université de Bourgogne
Classification: Pathogenic for Cohen syndrome. Review status: criteria provided, single submitter. Criteria: ACMG Guidelines, 2015. Collection method: clinical testing. Allele origin: maternal. Affected: yes.

NM_152564.5(VPS13B):c.3881_3882del (p.Ile1294fs)

Gene: VPS13B (vacuolar protein sorting 13 homolog B; plus strand). Cytogenetic location: 8q22.2.
Variant type: Microsatellite.
Coding change: c.3881_3882del on transcript NM_152564.5 (MANE Select); coding-DNA positions 3881 to 3882, 2 bases deleted (TA; older notation c.3881_3882delTA).
Protein change: p.Ile1294fs; shifts the reading frame from isoleucine 1294.
Molecular consequence: frameshift variant.
Genome position (GRCh38, 1-based): chr8:99,501,697-99,501,698, TA deleted; deleting any 2 consecutive bases within chr8:99,501,695-99,501,698 gives the same sequence; the c. name uses the placement nearest the transcript's 3' end. VCF-style (leftmost placement, unchanged base first): chr8-99501694-CTA-C. GRCh37 (hg19) VCF-style: chr8-100513922-CTA-C.
Other names: c.3881_3882del, p.Ile1294fs (NM_017890.5); short protein forms I1294fs.
Identifiers: ClinVar variation 1172637 (VCV001172637.1), dbSNP rs2133609624, ClinGen allele CA2580617205.